The following is an entry in ClinVar:

NM_024063.3(AFG2B):c.2066G>T (p.Gly689Val)

Gene: AFG2B (AAA ATPase AFG2B; plus strand). Cytogenetic location: 15q21.1.
Variant type: single nucleotide variant.
Coding change: c.2066G>T on transcript NM_024063.3 (MANE Select); coding-DNA position 2066, G replaced by T.
Protein change: p.Gly689Val; replaces glycine 689 with valine.
Molecular consequence: missense variant. On other transcripts: non-coding transcript variant (5).
Genome position (GRCh38, 1-based): chr15:45,418,654, G>T. VCF-style: chr15-45418654-G-T. GRCh37 (hg19) VCF-style: chr15-45710852-G-T.
Other names: c.2066G>T (NM_024063.2); short protein forms G689V.
Identifiers: ClinVar variation 1210149 (VCV001210149.41), dbSNP rs777812455, ClinGen allele CA7543588.
Genomic context (GRCh38, chr15:45,418,654, plus strand): 5'-TGCCAATAGGGCCTGATGTCTCCTTAGAAAACCTCGCAGCAGAAACCTGTTTTTTTTCTG[G>T]AGCTGATCTTAGAAACCTCTGCACAGAAGTAAGTTAATTATTGAAGAAATTTGTGGTTCA-3'
Protein context (NP_076968.2, residues 679-699): NLAAETCFFS[Gly689Val]ADLRNLCTEA

ClinVar aggregate classification (germline): Conflicting classifications of pathogenicity. Review status: criteria provided, conflicting classifications (1 of 4 stars). 7 submissions from 7 submitters: Likely pathogenic (5); Uncertain significance (1). 1 of the submissions does not count toward it. Last evaluated 2025-05-23.

Conditions:
Neurodevelopmental disorder with hearing loss and spasticity. Identifiers: Orphanet 659975, MedGen C5562024, MONDO:0859206, OMIM 619616.
Inborn genetic diseases. Identifiers: MedGen C0950123, MeSH D030342.

Allele frequency attached by ClinVar (database versions not stated): gnomAD 0.00001; gnomAD exomes 0.00001; TOPMed 0.00001; ExAC 0.00002.
gnomAD v4.1: 17 of 1,613,434 alleles (0.0011%); highest among the groups gnomAD compares: Non-Finnish European, 0.0014%; no homozygotes.

Submissions (7):

Revvity Omics, Revvity
Classification: Likely pathogenic. Last evaluated: 2025-05-23. Review status: criteria provided, single submitter. Criteria: ACMG Guidelines, 2015. Collection method: clinical testing. Allele origin: germline.

Blueprint Genetics
Classification: Uncertain significance. Last evaluated: 2024-01-29. Review status: criteria provided, single submitter. Criteria: ACMG Guidelines, 2015. Collection method: clinical testing. Allele origin: germline.

Institute of Human Genetics, University of Leipzig Medical Center
Classification: Likely pathogenic for Neurodevelopmental disorder with hearing loss and spasticity. Last evaluated: 2023-08-18. Review status: criteria provided, single submitter. Criteria: ACMG Guidelines, 2015. Collection method: clinical testing. Allele origin: maternal. Inheritance: Autosomal recessive inheritance. Affected: yes.
Comment: Criteria applied: PM3_STR,PM2_SUP,PP3

Ambry Genetics
Classification: Likely pathogenic for Inborn genetic diseases. Last evaluated: 2023-05-06. Review status: criteria provided, single submitter. Criteria: Ambry Variant Classification Scheme 2023. Collection method: clinical testing. Allele origin: germline.
Comment: The c.2066G>T (p.G689V) alteration is located in exon 7 (coding exon 7) of the SPATA5L1 gene. This alteration results from a G to T substitution at nucleotide position 2066, causing the glycine (G) at amino acid position 689 to be replaced by a valine (V). Based on data from gnomAD, the T allele has an overall frequency of 0.001% (2/250684) total alleles studied. The highest observed frequency was 0.002% (2/113448) of European (non-Finnish) alleles. This alteration was detected in trans with another disease-causing alteration in AFG2B (SPATA5L1) in multiple unrelated individuals with AFG2B-related neurodevelopmental disorder (Richard, 2021). This amino acid position is highly conserved in available vertebrate species. This alteration is predicted to be deleterious by in silico analysis. Based on the available evidence, this alteration is classified as likely pathogenic.

GeneDx
Classification: Likely pathogenic. Last evaluated: 2021-08-27. Review status: criteria provided, single submitter. Criteria: GeneDx Variant Classification Process June 2021. Collection method: clinical testing. Allele origin: germline. Affected: yes.
Comment: Not observed at significant frequency in large population cohorts (Lek et al., 2016); In silico analysis supports that this missense variant has a deleterious effect on protein structure/function

Genomic Medicine, Universita Cattolica del Sacro Cuore
Classification: Likely pathogenic. Last evaluated: 2021-08-03. Review status: criteria provided, single submitter. Criteria: ACMG Guidelines, 2015. Collection method: clinical testing. Allele origin: paternal. Inheritance: Autosomal recessive inheritance. Affected: yes. Observed: 1 variant allele, 1 compound heterozygote.

OMIM
Classification: Pathogenic for NEURODEVELOPMENTAL DISORDER WITH HEARING LOSS AND SPASTICITY. Last evaluated: 2023-04-19. Review status: no assertion criteria provided. Collection method: literature only. Allele origin: germline. Not counted in ClinVar's aggregate classification.

Literature cited by the submitters: PubMed 34626583 (cited by Ambry Genetics and OMIM).